The following is an entry in ClinVar:

ClinVar aggregate classification (germline): Uncertain significance. Review status: criteria provided, multiple submitters, no conflicts (2 of 4 stars). 2 submissions from 2 submitters: Uncertain significance (2). Last evaluated 2025-09-04.

Conditions:
Inborn genetic diseases. Identifiers: MedGen C0950123, MeSH D030342.

Allele frequency attached by ClinVar (database versions not stated): gnomAD 0.00001; gnomAD exomes 0.00001; TOPMed 0.00002.
gnomAD v4.1: 8 of 1,613,656 alleles (0.0005%); highest among the groups gnomAD compares: Admixed American, 0.012%; no homozygotes.

Submissions (2):

Ambry Genetics
Classification: Uncertain significance for Inborn genetic diseases. Last evaluated: 2025-09-04. Review status: criteria provided, single submitter. Criteria: Ambry Variant Classification Scheme 2023. Collection method: clinical testing. Allele origin: germline.

Labcorp Genetics (formerly Invitae), Labcorp
Classification: Uncertain significance. Last evaluated: 2022-11-15. Review status: criteria provided, single submitter. Criteria: Invitae Variant Classification Sherloc (09022015). Collection method: clinical testing. Allele origin: germline.
Comment: This sequence change replaces valine, which is neutral and non-polar, with isoleucine, which is neutral and non-polar, at codon 885 of the TRAK1 protein (p.Val885Ile). In summary, the available evidence is currently insufficient to determine the role of this variant in disease. Therefore, it has been classified as a Variant of Uncertain Significance. Algorithms developed to predict the effect of missense changes on protein structure and function (SIFT, PolyPhen-2, Align-GVGD) all suggest that this variant is likely to be tolerated. This variant has not been reported in the literature in individuals affected with TRAK1-related conditions. This variant is present in population databases (no rsID available, gnomAD 0.006%).

NM_001042646.3(TRAK1):c.2653G>A (p.Val885Ile)

Gene: TRAK1 (trafficking kinesin protein 1; plus strand). Cytogenetic location: 3p22.1.
Variant type: single nucleotide variant.
Coding change: c.2653G>A on transcript NM_001042646.3 (MANE Select); coding-DNA position 2653, G replaced by A.
Protein change: p.Val885Ile; replaces valine 885 with isoleucine.
Molecular consequence: missense variant. On other transcripts: 3 prime UTR variant (1), non-coding transcript variant (1).
Genome position (GRCh38, 1-based): chr3:42,223,528, G>A. VCF-style: chr3-42223528-G-A. GRCh37 (hg19) VCF-style: chr3-42265020-G-A.
Other names: c.2278G>A, p.Val760Ile (NM_001349245.1); c.2590G>A, p.Val864Ile (NM_001349246.2); c.*607G>A (NM_001349247.2); c.2368G>A, p.Val790Ile (NM_001349248.1); c.2431G>A, p.Val811Ile (NM_001349249.1); c.2479G>A, p.Val827Ile (NM_001410741.1); c.2653G>A (NM_001042646.1); short protein forms V885I, V811I, V864I, V760I, V827I, V790I.
Identifiers: ClinVar variation 2042897 (VCV002042897.5), dbSNP rs905579570, ClinGen allele CA74150594.